The following is an entry in ClinVar:

NM_004260.4(RECQL4):c.3245T>C (p.Phe1082Ser)

Gene: RECQL4 (RecQ like helicase 4; minus strand). Cytogenetic location: 8q24.3.
Variant type: single nucleotide variant.
Coding change: c.3245T>C on transcript NM_004260.4 (MANE Select); coding-DNA position 3245, T replaced by C.
Protein change: p.Phe1082Ser; replaces phenylalanine 1082 with serine.
Molecular consequence: missense variant. On other transcripts: non-coding transcript variant (3).
Genome position (GRCh38, 1-based): chr8:144,512,059, A>G on the plus strand (T>C on the coding strand, the complement: RECQL4 is on the minus strand). VCF-style: chr8-144512059-A-G. GRCh37 (hg19) VCF-style: chr8-145737442-A-G.
Other names: c.1976T>C, p.Phe659Ser (NM_001413031.1, NM_001413038.1); c.2108T>C, p.Phe703Ser (NM_001413032.1, NM_001413027.1, NM_001413030.1); c.3113T>C, p.Phe1038Ser (NM_001413033.1); c.2174T>C, p.Phe725Ser (NM_001413034.1, NM_001413035.1, NM_001413040.1 and 4 more transcripts); c.3245T>C, p.Phe1082Ser (NM_001413036.1); c.2042T>C, p.Phe681Ser (NM_001413037.1); c.3215T>C, p.Phe1072Ser (NM_001413039.1); c.2183T>C, p.Phe728Ser (NM_001413041.1); and 9 more; short protein forms F1016S, F1038S, F1039S, F1050S, F1072S, F1082S, F1107S, F593S.
Identifiers: ClinVar variation 4863166 (VCV004863166.1).

ClinVar aggregate classification (germline): Uncertain significance (1 of 4 stars; one submission).

Conditions:
Inborn genetic diseases. Identifiers: MedGen C0950123, MeSH D030342.

Submission:

Ambry Genetics
Classification: Uncertain significance for Inborn genetic diseases. Last evaluated: 2026-04-12. Review status: criteria provided, single submitter. Criteria: Ambry Variant Classification Scheme 2023. Collection method: clinical testing. Allele origin: germline.
Comment: The p.F1082S variant (also known as c.3245T>C), located in coding exon 19 of the RECQL4 gene, results from a T to C substitution at nucleotide position 3245. The phenylalanine at codon 1082 is replaced by serine, an amino acid with highly dissimilar properties. This amino acid position is conserved. In addition, this alteration is predicted to be tolerated by in silico analysis. Based on the available evidence, the clinical significance of this variant remains unclear.